The following is an entry in ClinVar:

NM_006245.4(PPP2R5D):c.149C>T (p.Ser50Phe)

Gene: PPP2R5D (protein phosphatase 2 regulatory subunit B'delta; plus strand). Cytogenetic location: 6p21.1.
Variant type: single nucleotide variant.
Coding change: c.149C>T on transcript NM_006245.4 (MANE Select); coding-DNA position 149, C replaced by T.
Protein change: p.Ser50Phe; replaces serine 50 with phenylalanine.
Molecular consequence: missense variant. On other transcripts: 5 prime UTR variant (1), intron variant (1).
Genome position (GRCh38, 1-based): chr6:43,006,506, C>T. VCF-style: chr6-43006506-C-T. GRCh37 (hg19) VCF-style: chr6-42974244-C-T.
Other names: c.-305C>T (NM_001270476.2); c.149C>T, p.Ser50Phe (NM_180976.3); c.28-428C>T (NM_180977.3); short protein forms S50F.
Identifiers: ClinVar variation 1498422 (VCV001498422.6), dbSNP rs2150277755, ClinGen allele CA364178906.

ClinVar aggregate classification (germline): Uncertain significance (1 of 4 stars; one submission).

Submission:

Labcorp Genetics (formerly Invitae), Labcorp
Classification: Uncertain significance. Last evaluated: 2021-10-21. Review status: criteria provided, single submitter. Criteria: Invitae Variant Classification Sherloc (09022015). Collection method: clinical testing. Allele origin: germline.
Comment: This sequence change replaces serine with phenylalanine at codon 50 of the PPP2R5D protein (p.Ser50Phe). The serine residue is weakly conserved and there is a large physicochemical difference between serine and phenylalanine. This variant is not present in population databases (ExAC no frequency). This variant has not been reported in the literature in individuals affected with PPP2R5D-related conditions. Algorithms developed to predict the effect of missense changes on protein structure and function (SIFT, PolyPhen-2, Align-GVGD) all suggest that this variant is likely to be tolerated. In summary, the available evidence is currently insufficient to determine the role of this variant in disease. Therefore, it has been classified as a Variant of Uncertain Significance.